The following is an entry in ClinVar:

NM_001983.4(ERCC1):c.525+1G>A

Gene: ERCC1 (ERCC excision repair 1, endonuclease non-catalytic subunit; minus strand). Cytogenetic location: 19q13.32.
Variant type: single nucleotide variant.
Coding change: c.525+1G>A on transcript NM_001983.4 (MANE Select); the canonical splice donor site of the intron after coding-DNA position 525, G replaced by A.
Molecular consequence: splice donor variant.
Genome position (GRCh38, 1-based): chr19:45,419,097, C>T on the plus strand (G>A on the coding strand, the complement: ERCC1 is on the minus strand). VCF-style: chr19-45419097-C-T. GRCh37 (hg19) VCF-style: chr19-45922355-C-T.
Other names: c.525+1G>A (NM_001369412.1, NM_001369413.1, NM_001369417.1 and 11 more transcripts).
Identifiers: ClinVar variation 3659772 (VCV003659772.2).

ClinVar aggregate classification (germline): Likely pathogenic (1 of 4 stars; one submission).

gnomAD v4.1: 3 of 1,566,724 alleles (0.00019%); highest among the groups gnomAD compares: Non-Finnish European, 0.00026%; no homozygotes.

Submission:

Labcorp Genetics (formerly Invitae), Labcorp
Classification: Likely pathogenic. Last evaluated: 2024-07-23. Review status: criteria provided, single submitter. Criteria: Invitae Variant Classification Sherloc (09022015). Collection method: clinical testing. Allele origin: germline.
Comment: This sequence change affects a donor splice site in intron 4 of the ERCC1 gene. It is expected to disrupt RNA splicing. Variants that disrupt the donor or acceptor splice site typically lead to a loss of protein function (PMID: 16199547), and loss-of-function variants in ERCC1 are known to be pathogenic (PMID: 17273966, 23623389, 33315086). This variant is not present in population databases (gnomAD no frequency). This variant has not been reported in the literature in individuals affected with ERCC1-related conditions. Algorithms developed to predict the effect of sequence changes on RNA splicing suggest that this variant may disrupt the consensus splice site. In summary, the currently available evidence indicates that the variant is pathogenic, but additional data are needed to prove that conclusively. Therefore, this variant has been classified as Likely Pathogenic.

Literature cited by the submitters: PubMed 16199547; PubMed 17273966; PubMed 23623389; PubMed 33315086.